The following is an entry in ClinVar:

NM_004409.5(DMPK):c.*224CTG[407]

Genes: DM1-AS (DM1 locus antisense RNA; plus strand), DMPK (DM1 protein kinase; minus strand), LOC107075317 (origin of replication in DMPK trinucleotide repeat region; plus strand), LOC109461477 (dystrophia myotonica protein kinase repeat instability region; plus strand). Cytogenetic location: 19q13.32.
Variant type: Microsatellite.
Coding change: c.*224CTG[407] on transcript NM_004409.5 (MANE Select); 407 copies in a row of the 3-base unit CTG starting at c.*224.
Molecular consequence: 3 prime UTR variant.
Genome position: GRCh38, VCF-style position (the base before the change): chr19:45,770,204. GRCh37 (hg19), VCF-style position (the base before the change): chr19:46,273,462.
Other names: DM1 CTG repeat expansion; c.*224CTG[407] (NM_001288764.2, NM_001081560.3, NM_001424165.1 and 1 more transcripts); c.*217CTG[407] (NM_001081562.3, NM_001288765.2, NM_001424162.1 and 2 more transcripts); c.*222_*224TGC[407] (NM_001081563.3); c.*369CTG[407] (NM_001288766.2, NM_001424164.1, NM_001424168.1).
Identifiers: ClinVar variation 187978 (VCV000187978.1), ClinGen allele CA915951792.

ClinVar aggregate classification (germline): Pathogenic (0 of 4 stars; one submission).

Conditions:
Steinert myotonic dystrophy syndrome (DM1). Also called: STEINERT DISEASE; Myotonic dystrophy type 1; Dystrophia myotonica type 1; Steinert myotonic dystrophy; Steinert's disease. Identifiers: Orphanet 273, MedGen C3250443, MONDO:0008056, OMIM 160900.

Submission:

Institute of Molecular, Cell and Systems Biology, University of Glasgow
Classification: Pathogenic for Steinert myotonic dystrophy syndrome. Review status: no assertion criteria provided. Criteria: research. Collection method: research. Allele origin: germline. Inheritance: Autosomal dominant inheritance. Affected: yes. Observed: 1 heterozygote.
Comment: DMPK CTG repeat expansions greater than approximately 45-50 repeats are assumed to be pathogenic

This record is based on data published in PubMed 25052313, which reports only ClinVar accessions SCV000120188 and SCV000120189. The complete data set includes SCV000207445 - SCV000207579.

Literature cited by the submitters: PubMed 1346923; PubMed 1546326; PubMed 25052313.